The following is an entry in ClinVar:

NM_003073.5(SMARCB1):c.413G>A (p.Ser138Asn)

Gene: SMARCB1 (SWI/SNF related BAF chromatin remodeling complex subunit B1; plus strand). Cytogenetic location: 22q11.23.
Variant type: single nucleotide variant.
Coding change: c.413G>A on transcript NM_003073.5 (MANE Select); coding-DNA position 413, G replaced by A.
Protein change: p.Ser138Asn; replaces serine 138 with asparagine.
Molecular consequence: missense variant.
Genome position (GRCh38, 1-based): chr22:23,800,994, G>A. VCF-style: chr22-23800994-G-A. GRCh37 (hg19) VCF-style: chr22-24143181-G-A.
Other names: c.386G>A, p.Ser129Asn (NM_001007468.3, NM_001317946.2); c.413G>A, p.Ser138Asn (NM_001362877.2); short protein forms S129N, S138N.
Identifiers: ClinVar variation 4864827 (VCV004864827.1).

ClinVar aggregate classification (germline): Uncertain significance (1 of 4 stars; one submission).

Conditions:
Hereditary cancer-predisposing syndrome. Also called: Neoplastic Syndromes, Hereditary; Tumor predisposition; Hereditary Cancer Syndrome; Hereditary neoplastic syndrome. Identifiers: Orphanet 140162, MedGen C0027672, MeSH D009386, MONDO:0015356.

Submission:

Ambry Genetics
Classification: Uncertain significance for Hereditary cancer-predisposing syndrome. Last evaluated: 2026-04-20. Review status: criteria provided, single submitter. Criteria: Ambry Variant Classification Scheme 2023. Collection method: clinical testing. Allele origin: germline.
Comment: The p.S138N variant (also known as c.413G>A), located in coding exon 4 of the SMARCB1 gene, results from a G to A substitution at nucleotide position 413. The serine at codon 138 is replaced by asparagine, an amino acid with highly similar properties. This amino acid position is conserved. In addition, the in silico prediction for this alteration is inconclusive. Based on the available evidence, the clinical significance of this variant remains unclear.